The following is an entry in ClinVar:

NM_000252.3(MTM1):c.1334T>C (p.Val445Ala)

Gene: MTM1 (myotubularin 1; plus strand). Cytogenetic location: Xq28.
Variant type: single nucleotide variant.
Coding change: c.1334T>C on transcript NM_000252.3 (MANE Select); coding-DNA position 1334, T replaced by C.
Protein change: p.Val445Ala; replaces valine 445 with alanine.
Molecular consequence: missense variant.
Genome position (GRCh38, 1-based): chrX:150,659,737, T>C. VCF-style: chrX-150659737-T-C. GRCh37 (hg19) VCF-style: chrX-149828210-T-C.
Other names: c.1334T>C, p.Val445Ala (NM_001376906.1, NM_001376908.1); c.1223T>C, p.Val408Ala (NM_001376907.1); short protein forms V408A, V445A.
Identifiers: ClinVar variation 2662330 (VCV002662330.1), dbSNP rs2522443665, ClinGen allele CA415259453.

ClinVar aggregate classification (germline): Uncertain significance (1 of 4 stars; one submission).

Submission:

GeneDx
Classification: Uncertain significance. Last evaluated: 2023-05-14. Review status: criteria provided, single submitter. Criteria: GeneDx Variant Classification Process June 2021. Collection method: clinical testing. Allele origin: germline. Affected: yes.
Comment: Not observed at significant frequency in large population cohorts (gnomAD); In silico analysis supports that this missense variant has a deleterious effect on protein structure/function; Has not been previously published as pathogenic or benign to our knowledge